The following is an entry in ClinVar:

NM_004522.3(KIF5C):c.1580C>G (p.Thr527Arg)

Gene: KIF5C (kinesin family member 5C; plus strand). Cytogenetic location: 2q23.1.
Variant type: single nucleotide variant.
Coding change: c.1580C>G on transcript NM_004522.3 (MANE Select); coding-DNA position 1580, C replaced by G.
Protein change: p.Thr527Arg; replaces threonine 527 with arginine.
Molecular consequence: missense variant. On other transcripts: non-coding transcript variant (1).
Genome position (GRCh38, 1-based): chr2:148,983,630, C>G. VCF-style: chr2-148983630-C-G. GRCh37 (hg19) VCF-style: chr2-149840144-C-G.
Other names: short protein forms T527R.
Identifiers: ClinVar variation 4847366 (VCV004847366.1).

ClinVar aggregate classification (germline): Uncertain significance (1 of 4 stars; one submission).

gnomAD v4.1: 3 of 1,576,812 alleles (0.00019%); highest among the groups gnomAD compares: Admixed American, 0.0055%; no homozygotes.

Submission:

Women's Health and Genetics/Laboratory Corporation of America, LabCorp
Classification: Uncertain significance. Last evaluated: 2026-03-09. Review status: criteria provided, single submitter. Criteria: LabCorp Variant Classification Summary - May 2015. Collection method: clinical testing. Allele origin: germline.
Comment: Variant summary: KIF5C c.1580C>G (p.Thr527Arg) results in a non-conservative amino acid change in the encoded protein sequence. Algorithms developed to predict the effect of missense changes on protein structure and function are either unavailable or do not agree on the potential impact of this missense change. The variant allele was found at a frequency of 1.7e-05 in 233608 control chromosomes. The available data on variant occurrences in the general population are insufficient to allow any conclusion about variant significance. To our knowledge, no occurrence of c.1580C>G in individuals affected with KIF5C-related conditions and no experimental evidence demonstrating its impact on protein function have been reported. No submitters have cited clinical-significance assessments for this variant to ClinVar. Based on the evidence outlined above, the variant was classified as uncertain significance.